The following is an entry in ClinVar:

ClinVar aggregate classification (germline): Likely pathogenic (1 of 4 stars; one submission).

Conditions:
Short-rib thoracic dysplasia 11 with or without polydactyly (SRTD11). Also called: SHORT-RIB THORACIC DYSPLASIA 11 WITHOUT POLYDACTYLY. Identifiers: Orphanet 474, Orphanet 93271, MedGen C3810200, MONDO:0014287, OMIM 615633.

Submission:

Labcorp Genetics (formerly Invitae), Labcorp
Classification: Likely pathogenic for Short-rib thoracic dysplasia 11 with or without polydactyly. Last evaluated: 2024-07-06. Review status: criteria provided, single submitter. Criteria: Invitae Variant Classification Sherloc (09022015). Collection method: clinical testing. Allele origin: germline.
Comment: This sequence change affects a donor splice site in intron 1 of the WDR34 gene. It is expected to disrupt RNA splicing. Variants that disrupt the donor or acceptor splice site typically lead to a loss of protein function (PMID: 16199547), and loss-of-function variants in WDR34 are known to be pathogenic (PMID: 24183449, 24183451, 28379358). This variant is not present in population databases (gnomAD no frequency). This variant has not been reported in the literature in individuals affected with WDR34-related conditions. Algorithms developed to predict the effect of sequence changes on RNA splicing suggest that this variant may disrupt the consensus splice site. In summary, the currently available evidence indicates that the variant is pathogenic, but additional data are needed to prove that conclusively. Therefore, this variant has been classified as Likely Pathogenic.

Literature cited by the submitters: PubMed 16199547; PubMed 24183449; PubMed 24183451; PubMed 28379358.

NM_052844.4(DYNC2I2):c.186+2T>C

Gene: DYNC2I2 (dynein 2 intermediate chain 2; minus strand). Cytogenetic location: 9q34.11.
Variant type: single nucleotide variant.
Coding change: c.186+2T>C on transcript NM_052844.4 (MANE Select); the canonical splice donor site of the intron after coding-DNA position 186, T replaced by C.
Molecular consequence: splice donor variant.
Genome position (GRCh38, 1-based): chr9:128,656,539, A>G on the plus strand (T>C on the coding strand, the complement: DYNC2I2 is on the minus strand). VCF-style: chr9-128656539-A-G. GRCh37 (hg19) VCF-style: chr9-131418818-A-G.
Identifiers: ClinVar variation 3700071 (VCV003700071.2).